The following is an entry in ClinVar:

ClinVar aggregate classification (germline): Likely benign. Review status: criteria provided, single submitter (1 of 4 stars). 2 submissions from 2 submitters: Likely benign (1). 1 of the submissions does not count toward it. Last evaluated 2024-10-15.

Conditions:
POLE-related disorder. Also called: POLE-related disorders; POLE-related condition.

Allele frequency attached by ClinVar (database versions not stated): gnomAD exomes below 0.00001 and 0.00001; ExAC 0.00001; gnomAD 0.00001; TOPMed 0.00001.
gnomAD v4.1: 3 of 1,612,472 alleles (0.00019%); highest among the groups gnomAD compares: East Asian, 0.0022%; no homozygotes.

Submissions (2):

Labcorp Genetics (formerly Invitae), Labcorp
Classification: Likely benign. Last evaluated: 2024-10-15. Review status: criteria provided, single submitter. Criteria: Invitae Variant Classification Sherloc (09022015). Collection method: clinical testing. Allele origin: germline.

PreventionGenetics, part of Exact Sciences
Classification: Likely benign for POLE-related condition. Last evaluated: 2021-05-05. Review status: no assertion criteria provided. Collection method: clinical testing. Allele origin: germline. Not counted in ClinVar's aggregate classification.
Comment: This variant is classified as likely benign based on ACMG/AMP sequence variant interpretation guidelines (Richards et al. 2015 PMID: 25741868, with internal and published modifications).

NM_006231.4(POLE):c.2561+9A>G

Gene: POLE (DNA polymerase epsilon, catalytic subunit; minus strand). Cytogenetic location: 12q24.33.
Variant type: single nucleotide variant.
Coding change: c.2561+9A>G on transcript NM_006231.4 (MANE Select); 9 bases into the intron after coding-DNA position 2561, A replaced by G.
Molecular consequence: intron variant.
Genome position (GRCh38, 1-based): chr12:132,664,361, T>C on the plus strand (A>G on the coding strand, the complement: POLE is on the minus strand). VCF-style: chr12-132664361-T-C. GRCh37 (hg19) VCF-style: chr12-133240947-T-C.
Other names: c.2561+9A>G (NM_006231.3).
Identifiers: ClinVar variation 1666876 (VCV001666876.10), dbSNP rs752560401, ClinGen allele CA6893519.